The following is an entry in ClinVar:

ClinVar aggregate classification (germline): Uncertain significance. Review status: criteria provided, multiple submitters, no conflicts (2 of 4 stars). 2 submissions from 2 submitters: Uncertain significance (2). Last evaluated 2024-07-06.

Conditions:
Inborn genetic diseases. Identifiers: MedGen C0950123, MeSH D030342.

gnomAD v4.1: 2 of 1,614,048 alleles (0.00012%); highest among the groups gnomAD compares: African/African-American, 0.0013%; no homozygotes.

Submissions (2):

Ambry Genetics
Classification: Uncertain significance for Inborn genetic diseases. Last evaluated: 2024-07-06. Review status: criteria provided, single submitter. Criteria: Ambry Variant Classification Scheme 2023. Collection method: clinical testing. Allele origin: germline.

Labcorp Genetics (formerly Invitae), Labcorp
Classification: Uncertain significance. Last evaluated: 2021-12-13. Review status: criteria provided, single submitter. Criteria: Invitae Variant Classification Sherloc (09022015). Collection method: clinical testing. Allele origin: germline.
Comment: This sequence change replaces arginine, which is basic and polar, with leucine, which is neutral and non-polar, at codon 894 of the CNTNAP1 protein (p.Arg894Leu). This variant is not present in population databases (gnomAD no frequency). In summary, the available evidence is currently insufficient to determine the role of this variant in disease. Therefore, it has been classified as a Variant of Uncertain Significance. Algorithms developed to predict the effect of missense changes on protein structure and function (SIFT, PolyPhen-2, Align-GVGD) all suggest that this variant is likely to be tolerated. This variant has not been reported in the literature in individuals affected with CNTNAP1-related conditions.

NM_003632.3(CNTNAP1):c.2681G>T (p.Arg894Leu)

Gene: CNTNAP1 (contactin associated protein 1; plus strand). Cytogenetic location: 17q21.2.
Variant type: single nucleotide variant.
Coding change: c.2681G>T on transcript NM_003632.3 (MANE Select); coding-DNA position 2681, G replaced by T.
Protein change: p.Arg894Leu; replaces arginine 894 with leucine.
Molecular consequence: missense variant.
Genome position (GRCh38, 1-based): chr17:42,692,649, G>T. VCF-style: chr17-42692649-G-T. GRCh37 (hg19) VCF-style: chr17-40844667-G-T.
Other names: c.2681G>T (NM_003632.2); short protein forms R894L.
Identifiers: ClinVar variation 1384280 (VCV001384280.7), dbSNP rs529982247, ClinGen allele CA399649340.